The following is an entry in ClinVar:

ClinVar aggregate classification (germline): Uncertain significance (1 of 4 stars; one submission).

Allele frequency attached by ClinVar (database versions not stated): gnomAD 0.00002; TOPMed 0.00002.
gnomAD v4.1: 18 of 1,613,922 alleles (0.0011%); highest among the groups gnomAD compares: Admixed American, 0.03%; no homozygotes.

Submission:

Labcorp Genetics (formerly Invitae), Labcorp
Classification: Uncertain significance. Last evaluated: 2025-09-13. Review status: criteria provided, single submitter. Criteria: Invitae Variant Classification Sherloc (09022015). Collection method: clinical testing. Allele origin: germline.
Comment: This sequence change replaces asparagine, which is neutral and polar, with threonine, which is neutral and polar, at codon 450 of the POLG2 protein (p.Asn450Thr). This variant is present in population databases (rs782537705, gnomAD 0.04%). This variant has not been reported in the literature in individuals affected with POLG2-related conditions. ClinVar contains an entry for this variant (Variation ID: 2074294). An algorithm developed to predict the effect of missense changes on protein structure and function (PolyPhen-2) suggests that this variant is likely to be disruptive. In summary, the available evidence is currently insufficient to determine the role of this variant in disease. Therefore, it has been classified as a Variant of Uncertain Significance.

NM_007215.4(POLG2):c.1349A>C (p.Asn450Thr)

Genes: MILR1 (mast cell immunoglobulin like receptor 1; plus strand), POLG2 (DNA polymerase gamma 2, accessory subunit; minus strand). Cytogenetic location: 17q23.3.
Variant type: single nucleotide variant.
Coding change: c.1349A>C on transcript NM_007215.4 (MANE Select); coding-DNA position 1349, A replaced by C.
Protein change: p.Asn450Thr; replaces asparagine 450 with threonine.
Molecular consequence: missense variant.
Genome position (GRCh38, 1-based): chr17:64,477,932, T>G on the plus strand (A>C on the coding strand, the complement: POLG2 is on the minus strand). VCF-style: chr17-64477932-T-G. GRCh37 (hg19) VCF-style: chr17-62474049-T-G.
Other names: short protein forms N450T.
Identifiers: ClinVar variation 2074294 (VCV002074294.4), dbSNP rs782537705, ClinGen allele CA8712753.